The following is an entry in ClinVar:

ClinVar aggregate classification (germline): Uncertain significance (1 of 4 stars; one submission).

Allele frequency attached by ClinVar (database versions not stated): gnomAD exomes below 0.00001; ExAC 0.00001.
gnomAD v4.1: 4 of 1,596,848 alleles (0.00025%); highest among the groups gnomAD compares: Admixed American, 0.0018%; no homozygotes.

Submission:

GeneDx
Classification: Uncertain significance. Last evaluated: 2019-12-20. Review status: criteria provided, single submitter. Criteria: GeneDx Variant Classification Process June 2021. Collection method: clinical testing. Allele origin: germline. Affected: yes.
Comment: Not observed at a significant frequency in large population cohorts (Lek et al., 2016); In silico analysis, which includes protein predictors and evolutionary conservation, supports that this variant does not alter protein structure/function; Has not been previously published as pathogenic or benign to our knowledge

NM_001382391.1(CSPP1):c.2008G>A (p.Asp670Asn)

Gene: CSPP1 (centrosome and spindle pole associated protein 1; plus strand). Cytogenetic location: 8q13.2.
Variant type: single nucleotide variant.
Coding change: c.2008G>A on transcript NM_001382391.1 (MANE Select); coding-DNA position 2008, G replaced by A.
Protein change: p.Asp670Asn; replaces aspartic acid 670 with asparagine.
Molecular consequence: missense variant. On other transcripts: intron variant (3).
Genome position (GRCh38, 1-based): chr8:67,149,815, G>A. VCF-style: chr8-67149815-G-A. GRCh37 (hg19) VCF-style: chr8-68062050-G-A.
Other names: c.1927G>A, p.Asp643Asn (NM_001363131.2); c.2074G>A, p.Asp692Asn (NM_001364869.1); c.1894G>A, p.Asp632Asn (NM_001364870.1); c.1993G>A, p.Asp665Asn (NM_024790.7); c.1934-4209G>A (NM_001363132.2); c.1853-4209G>A (NM_001363133.2); c.1079-4209G>A (NM_001291339.2); short protein forms D632N, D643N, D665N, D670N, D692N.
Identifiers: ClinVar variation 1311243 (VCV001311243.2), dbSNP rs776159020, ClinGen allele CA4770721.